The following is an entry in ClinVar:

NM_000091.5(COL4A3):c.2264C>A (p.Pro755Gln)

Genes: COL4A3 (collagen type IV alpha 3 chain; plus strand), MFF-DT (MFF divergent transcript; minus strand). Cytogenetic location: 2q36.3.
Variant type: single nucleotide variant.
Coding change: c.2264C>A on transcript NM_000091.5 (MANE Select); coding-DNA position 2264, C replaced by A.
Protein change: p.Pro755Gln; replaces proline 755 with glutamine.
Molecular consequence: missense variant.
Genome position (GRCh38, 1-based): chr2:227,280,480, C>A. VCF-style: chr2-227280480-C-A. GRCh37 (hg19) VCF-style: chr2-228145196-C-A.
Other names: short protein forms P755Q.
Identifiers: ClinVar variation 3389683 (VCV003389683.14).
Genomic context (GRCh38, chr2:227,280,480, plus strand): 5'-ACACAATTTCTATGCTGTAGGGAGAACCAGCAGTAGCCATGCCTGGAGGACCAGGAACAC[C>A]AGGTTTTCCAGGAGAAAGAGGCAATTCTGGGGAACATGGAGAAATTGGACTCCCTGGACT-3'
Protein context (NP_000082.2, residues 745-765): AVAMPGGPGT[Pro755Gln]GFPGERGNSG

ClinVar aggregate classification (germline): Uncertain significance (1 of 4 stars; one submission).

Submission:

CeGaT Center for Human Genetics Tuebingen
Classification: Uncertain significance. Last evaluated: 2024-09-01. Review status: criteria provided, single submitter. Criteria: CeGaT Center For Human Genetics Tuebingen Variant Classification Criteria Version 2. Collection method: clinical testing. Allele origin: germline. Affected: yes. Observed: 1 variant allele.
Comment: COL4A3: PM2